The following is an entry in ClinVar:

NM_000102.4(CYP17A1):c.1324T>C (p.Cys442Arg)

Gene: CYP17A1 (cytochrome P450 family 17 subfamily A member 1; minus strand). Cytogenetic location: 10q24.32.
Variant type: single nucleotide variant.
Coding change: c.1324T>C on transcript NM_000102.4 (MANE Select); coding-DNA position 1324, T replaced by C.
Protein change: p.Cys442Arg; replaces cysteine 442 with arginine.
Molecular consequence: missense variant.
Genome position (GRCh38, 1-based): chr10:102,830,905, A>G on the plus strand (T>C on the coding strand, the complement: CYP17A1 is on the minus strand). VCF-style: chr10-102830905-A-G. GRCh37 (hg19) VCF-style: chr10-104590662-A-G.
Other names: short protein forms C442R.
Identifiers: ClinVar variation 4817435 (VCV004817435.1).

ClinVar aggregate classification (germline): Likely pathogenic (1 of 4 stars; one submission).

Conditions:
Deficiency of steroid 17-alpha-monooxygenase. Also called: ADRENAL HYPERPLASIA V; 17-ALPHA-HYDROXYLASE DEFICIENCY; Congenital adrenal hyperplasia due to 17-alpha-hydroxylase deficiency; Congenital adrenal hyperplasia type 5; 17-alpha-hydroxylase/17,20-lyase deficiency. Identifiers: Orphanet 90793, MedGen C0268285, MONDO:0008730, OMIM 202110.

Submission:

Natera, Inc.
Classification: Likely pathogenic for Deficiency of steroid 17-alpha-monooxygenase. Last evaluated: 2024-08-13. Review status: criteria provided, single submitter. Criteria: Natera Variant Classification Schema (03/2026). Collection method: clinical testing. Allele origin: germline.
Comment: The c.1324T>C variant in CYP17A1 is a missense variant predicted to cause substitution of cysteine to arginine at amino acid 442. This variant is rare in the general population with a frequency below the threshold expected for the associated phenotype(s). This variant has been observed in one or more individuals affected with the associated recessive disease, as either homozygous or compound heterozygous with a second variant (PMID: 21550081). This variant has been identified in one or more affected individual with a phenotype highly consistent with the associated gene (PMID: 21550081). Computational prediction algorithms indicate this variant is likely to affect gene or protein function. Given the available evidence, this variant is classified as Likely Pathogenic.

Literature cited by the submitters: PubMed 21550081.